The following is an entry in ClinVar:

NM_032380.5(GFM2):c.282C>T (p.Ser94=)

Gene: GFM2 (GTP dependent ribosome recycling factor mitochondrial 2; minus strand). Cytogenetic location: 5q13.3.
Variant type: single nucleotide variant.
Coding change: c.282C>T on transcript NM_032380.5 (MANE Select); coding-DNA position 282, C replaced by T.
Protein change: p.Ser94=; no amino-acid change (serine 94 retained).
Molecular consequence: synonymous variant. On other transcripts: non-coding transcript variant (1).
Genome position (GRCh38, 1-based): chr5:74,758,871, G>A on the plus strand (C>T on the coding strand, the complement: GFM2 is on the minus strand). VCF-style: chr5-74758871-G-A. GRCh37 (hg19) VCF-style: chr5-74054696-G-A.
Other names: c.378C>T, p.Ser126= (NM_001281302.2); c.282C>T, p.Ser94= (NM_170681.3, NM_170691.3).
Identifiers: ClinVar variation 681598 (VCV000681598.2), dbSNP rs745682210, ClinGen allele CA3306870.

ClinVar aggregate classification (germline): Likely benign. Review status: criteria provided, multiple submitters, no conflicts (2 of 4 stars). 2 submissions from 2 submitters: Likely benign (2). Last evaluated 2025-06-04.

Allele frequency attached by ClinVar (database versions not stated): gnomAD 0.00002 and 0.00003; gnomAD exomes 0.00004 and 0.00008; TOPMed 0.00004; ExAC 0.00011.
gnomAD v4.1: 65 of 1,602,102 alleles (0.0041%); highest among the groups gnomAD compares: South Asian, 0.045%; no homozygotes.

Submissions (2):

Labcorp Genetics (formerly Invitae), Labcorp
Classification: Likely benign. Last evaluated: 2025-06-04. Review status: criteria provided, single submitter. Criteria: Invitae Variant Classification Sherloc (09022015). Collection method: clinical testing. Allele origin: germline.

GeneDx
Classification: Likely benign. Last evaluated: 2018-04-19. Review status: criteria provided, single submitter. Criteria: GeneDx Variant Classification (06012015). Collection method: clinical testing. Allele origin: germline. Affected: yes.
Comment: This variant is considered likely benign or benign based on one or more of the following criteria: it is a conservative change, it occurs at a poorly conserved position in the protein, it is predicted to be benign by multiple in silico algorithms, and/or has population frequency not consistent with disease.